The following is an entry in ClinVar:

NM_001109809.5(ZFP57):c.1033G>C (p.Ala345Pro)

Gene: ZFP57 (ZFP57 zinc finger protein; minus strand). Cytogenetic location: 6p22.1.
Variant type: single nucleotide variant.
Coding change: c.1033G>C on transcript NM_001109809.5 (MANE Select); coding-DNA position 1033, G replaced by C.
Protein change: p.Ala345Pro; replaces alanine 345 with proline.
Molecular consequence: missense variant.
Genome position (GRCh38, 1-based): chr6:29,673,078, C>G on the plus strand (G>C on the coding strand, the complement: ZFP57 is on the minus strand). VCF-style: chr6-29673078-C-G. GRCh37 (hg19) VCF-style: chr6-29640855-C-G.
Other names: c.817G>C, p.Ala273Pro (NM_001366333.2); short protein forms A273P, A345P.
Identifiers: ClinVar variation 904449 (VCV000904449.17), dbSNP rs200537697, ClinGen allele CA3690733.

ClinVar aggregate classification (germline): Conflicting classifications of pathogenicity. Review status: criteria provided, conflicting classifications (1 of 4 stars). 6 submissions from 6 submitters: Uncertain significance (2); Likely benign (3). 1 of the submissions does not count toward it. Last evaluated 2026-01-14.

Conditions:
Monogenic diabetes. Identifiers: Orphanet 183625, MedGen C3888631, MONDO:0015967.
ZFP57-related disorder. Also called: ZFP57-related condition.
Diabetes mellitus, transient neonatal, 1 (TNDM1). Also called: Diabetes Mellitus, 6q24-Related Transient Neonatal. Identifiers: Orphanet 99886, MedGen C1832386, MONDO:0011073, OMIM 601410.

Allele frequency attached by ClinVar (database versions not stated): 1000 Genomes Project 30x 0.00125; 1000 Genomes Project 0.00140; gnomAD exomes 0.00154; ExAC 0.00175; ESP Exome Variant Server 0.00187; gnomAD 0.00211 and 0.00220; TOPMed 0.00232.
gnomAD v4.1: 2,175 of 1,612,966 alleles (0.13%); highest among the groups gnomAD compares: Middle Eastern, 1.2%; 13 homozygotes.

Submissions (6):

Labcorp Genetics (formerly Invitae), Labcorp
Classification: Likely benign. Last evaluated: 2026-01-14. Review status: criteria provided, single submitter. Criteria: Invitae Variant Classification Sherloc (09022015). Collection method: clinical testing. Allele origin: germline.

ARUP Laboratories, Molecular Genetics and Genomics, ARUP Laboratories
Classification: Likely benign for Diabetes mellitus, transient neonatal, 1. Last evaluated: 2024-12-04. Review status: criteria provided, single submitter. Criteria: ARUP Molecular Germline Variant Investigation Process 2024. Collection method: clinical testing. Allele origin: germline.

Blueprint Genetics
Classification: Likely benign. Last evaluated: 2024-11-07. Review status: criteria provided, single submitter. Criteria: ACMG Guidelines, 2015. Collection method: clinical testing. Allele origin: germline.

Personalized Diabetes Medicine Program, University of Maryland School of Medicine
Classification: Uncertain significance for Monogenic diabetes. Last evaluated: 2019-02-01. Review status: criteria provided, single submitter. Criteria: ACMG Guidelines, 2015. Collection method: research. Allele origin: unknown. Observed: 4 variant alleles, 3 heterozygotes, 1 homozygote.
Comment: But the patient has another homozygous S252P, which is more likely to be the cause since it's conserved across species.

Illumina Laboratory Services, Illumina
Classification: Uncertain significance for Diabetes mellitus, transient neonatal, 1. Last evaluated: 2017-04-27. Review status: criteria provided, single submitter. Criteria: ICSL Variant Classification Criteria 13 December 2019. Collection method: clinical testing. Allele origin: germline.
Comment: This variant was observed as part of a predisposition screen in an ostensibly healthy population. A literature search was performed for the gene, cDNA change, and amino acid change (where applicable). Publications were found based on this search. However, the evidence from the literature, in combination with allele frequency data from public databases where available, was not sufficient to rule this variant in or out of causing disease. Therefore, this variant is classified as a variant of unknown significance.

PreventionGenetics, part of Exact Sciences
Classification: Likely benign for ZFP57-related condition. Last evaluated: 2019-09-19. Review status: no assertion criteria provided. Collection method: clinical testing. Allele origin: germline. Not counted in ClinVar's aggregate classification.
Comment: This variant is classified as likely benign based on ACMG/AMP sequence variant interpretation guidelines (Richards et al. 2015 PMID: 25741868, with internal and published modifications).

Literature cited by the submitters: PubMed 23748067 (cited by Illumina Laboratory Services, Illumina).